The following is an entry in ClinVar:

NM_000426.4(LAMA2):c.7390_7391delinsTT (p.Ala2464Leu)

Gene: LAMA2 (laminin subunit alpha 2; plus strand). Cytogenetic location: 6q22.33.
Variant type: Indel.
Coding change: c.7390_7391delinsTT on transcript NM_000426.4 (MANE Select); coding-DNA positions 7390 to 7391, GC replaced by TT.
Protein change: p.Ala2464Leu; replaces alanine 2464 with leucine.
Molecular consequence: missense variant.
Genome position (GRCh38, 1-based): chr6:129,473,303-129,473,304, GC replaced by TT. VCF-style: chr6-129473303-GC-TT. GRCh37 (hg19) VCF-style: chr6-129794448-GC-TT.
Other names: c.7390_7391delinsTT, p.Ala2464Leu (NM_001079823.2); short protein forms A2464L.
Identifiers: ClinVar variation 547886 (VCV000547886.6), dbSNP rs1554303509, ClinGen allele CA658821944.
Genomic context (GRCh38, chr6:129,473,303, plus strand): 5'-AATCAGGAGGAGAATATAGCAACTTCGTCTTCTGGAAACAACTTTGGTCTTGACTTGAAA[GC>TT]AGATGACAAAATATATTTTGGTGGCCTGCCAACGCTGAGAAACTTGAGGTAATTTAGTTT-3'
Protein context (NP_000417.3, residues 2454-2474): SGNNFGLDLK[Ala2464Leu]DDKIYFGGLP

ClinVar aggregate classification (germline): Uncertain significance. Review status: criteria provided, multiple submitters, no conflicts (2 of 4 stars). 2 submissions from 2 submitters: Uncertain significance (2). Last evaluated 2022-07-06.

Conditions:
LAMA2-related muscular dystrophy (LAMA2-RD). Also called: Laminin alpha 2-related dystrophy. Identifiers: MedGen C5679788, MONDO:0100228.
Merosin deficient congenital muscular dystrophy (MDC1A). Also called: Congenital merosin-deficient muscular dystrophy 1A; Congenital Muscular Dystrophy Type 1A (MDC1A). Identifiers: Orphanet 258, MedGen C1263858, MONDO:0011925, OMIM 607855.

Submissions (2):

Labcorp Genetics (formerly Invitae), Labcorp
Classification: Uncertain significance for LAMA2-related muscular dystrophy. Last evaluated: 2022-07-06. Review status: criteria provided, single submitter. Criteria: Invitae Variant Classification Sherloc (09022015). Collection method: clinical testing. Allele origin: germline.
Comment: This sequence change replaces alanine, which is neutral and non-polar, with leucine, which is neutral and non-polar, at codon 2464 of the LAMA2 protein (p.Ala2464Leu). This variant is present in population databases (no rsID available, gnomAD 0.04%). This variant has not been reported in the literature in individuals affected with LAMA2-related conditions. ClinVar contains an entry for this variant (Variation ID: 547886). Algorithms developed to predict the effect of missense changes on protein structure and function are either unavailable or do not agree on the potential impact of this missense change (SIFT: "Not Available"; PolyPhen-2: "Possibly Damaging"; Align-GVGD: "Not Available"). In summary, the available evidence is currently insufficient to determine the role of this variant in disease. Therefore, it has been classified as a Variant of Uncertain Significance.

Mayo Clinic Laboratories, Mayo Clinic
Classification: Uncertain significance for Merosin deficient congenital muscular dystrophy. Last evaluated: 2016-11-16. Review status: criteria provided, single submitter. Criteria: ACMG Guidelines, 2015. Collection method: clinical testing. Allele origin: maternal.